The following is an entry in ClinVar:

NM_032638.5(GATA2):c.1060A>G (p.Thr354Ala)

Gene: GATA2 (GATA binding protein 2; minus strand). Cytogenetic location: 3q21.3.
Variant type: single nucleotide variant.
Coding change: c.1060A>G on transcript NM_032638.5 (MANE Select); coding-DNA position 1060, A replaced by G.
Protein change: p.Thr354Ala; replaces threonine 354 with alanine.
Molecular consequence: missense variant.
Genome position (GRCh38, 1-based): chr3:128,481,902, T>C on the plus strand (A>G on the coding strand, the complement: GATA2 is on the minus strand). VCF-style: chr3-128481902-T-C. GRCh37 (hg19) VCF-style: chr3-128200745-T-C.
Other names: c.1060A>G, p.Thr354Ala (NM_001145661.2); c.1018A>G, p.Thr340Ala (NM_001145662.1); short protein forms T340A, T354A.
Identifiers: ClinVar variation 3758052 (VCV003758052.2).

ClinVar aggregate classification (germline): Uncertain significance (1 of 4 stars; one submission).

Conditions:
Monocytopenia with susceptibility to infections. Also called: MONOCYTOPENIA AND MYCOBACTERIAL INFECTION SYNDROME; MONOCYTOPENIA WITH SUSCEPTIBILITY TO MYCOBACTERIAL, FUNGAL, AND PAPILLOMAVIRUS INFECTIONS AND MYELODYSPLASIA; COMBINED IMMUNODEFICIENCY WITH SUSCEPTIBILITY TO MYCOBACTERIAL, VIRAL, AND FUNGAL INFECTIONS; Dendritic cell, monocyte, B lymphocyte, and natural killer lymphocyte deficiency; IMMUNODEFICIENCY 21; GATA2 DEFICIENCY. Identifiers: Orphanet 228423, MedGen C3280030, MONDO:0013607, OMIM 614172.
Deafness-lymphedema-leukemia syndrome. Also called: Lymphedema, primary, with myelodysplasia; Emberger syndrome. Identifiers: Orphanet 3226, MedGen C3279664, MONDO:0013540, OMIM 614038.

Submission:

Labcorp Genetics (formerly Invitae), Labcorp
Classification: Uncertain significance for Monocytopenia with susceptibility to infections; Deafness-lymphedema-leukemia syndrome. Last evaluated: 2024-05-12. Review status: criteria provided, single submitter. Criteria: Invitae Variant Classification Sherloc (09022015). Collection method: clinical testing. Allele origin: germline.
Comment: This sequence change replaces threonine, which is neutral and polar, with alanine, which is neutral and non-polar, at codon 354 of the GATA2 protein (p.Thr354Ala). This variant is not present in population databases (gnomAD no frequency). This variant has not been reported in the literature in individuals affected with GATA2-related conditions. Advanced modeling of protein sequence and biophysical properties (such as structural, functional, and spatial information, amino acid conservation, physicochemical variation, residue mobility, and thermodynamic stability) has been performed at Invitae for this missense variant, however the output from this modeling did not meet the statistical confidence thresholds required to predict the impact of this variant on GATA2 protein function. This variant disrupts the p.Thr354 amino acid residue in GATA2. Other variant(s) that disrupt this residue have been determined to be pathogenic (PMID: 21670465, 21892162, 23365458). This suggests that this residue is clinically significant, and that variants that disrupt this residue are likely to be disease-causing. In summary, the available evidence is currently insufficient to determine the role of this variant in disease. Therefore, it has been classified as a Variant of Uncertain Significance.

Literature cited by the submitters: PubMed 21670465; PubMed 21892162; PubMed 23365458.